The following is an entry in ClinVar:

ClinVar aggregate classification (germline): Uncertain significance (1 of 4 stars; one submission).

Submission:

Women's Health and Genetics/Laboratory Corporation of America, LabCorp
Classification: Uncertain significance. Last evaluated: 2023-01-18. Review status: criteria provided, single submitter. Criteria: LabCorp Variant Classification Summary - May 2015. Collection method: clinical testing. Allele origin: germline.
Comment: Variant summary: The variant identified by MLPA or other technology involves the duplication of exon 1 in the DMD gene. A presumed nomenclature of c.(?_-245)_(31+1_32-1)dup has been designated for the purposes of this classification. It has been assumed that this is a tandem duplication in direct orientation (Richardson_GIM_2018, Newman_AJHG_2015). Since the exact breakpoints of this duplication and mRNA processing are not known, it is not possible to predict if it causes an in-frame or an out-of-frame product. The variant was absent in 16119 control chromosomes (gnomAD, Structural Variants dataset). Duplication of exon 1 has been reported in the literature in individuals affected with Dystrophinopathies (Esterhuizen_2014, Lopez-Hernandez_2015). These data indicate that the variant may be associated with disease. To our knowledge, no experimental evidence demonstrating an impact on protein function has been reported. A ClinVar submitter (evaluation after 2014) cites the variant as uncertain significance. Based on the evidence outlined above, the variant was classified as VUS-possibly pathogenic.

Literature cited by the submitters: PubMed 26110187; PubMed 25761239.

NC_000023.10:g.(33038318_33229398)_(33229674_?)dup

Gene: DMD (dystrophin; minus strand). Cytogenetic location: Xp21.1.
Variant type: Duplication.
Identifiers: ClinVar variation 1098825 (VCV001098825.6).